The following is an entry in ClinVar:

ClinVar aggregate classification (germline): Conflicting classifications of pathogenicity. Review status: criteria provided, conflicting classifications (1 of 4 stars). 4 submissions from 4 submitters: Uncertain significance (2); Likely benign (1). 1 of the submissions does not count toward it. Last evaluated 2026-01-12.

Conditions:
NPHS1-related disorder. Also called: NPHS1-related condition.
Congenital nephrotic syndrome. Also called: Familial nephrotic syndrome. Identifiers: MedGen C3501848, MeSH C535761, MONDO:0002350, HP:0008677.

Allele frequency attached by ClinVar (database versions not stated): TOPMed 0.00019; gnomAD exomes 0.00027 and 0.00036; gnomAD 0.00031 and 0.00034; ExAC 0.00076.
gnomAD v4.1: 445 of 1,568,658 alleles (0.028%); highest among the groups gnomAD compares: Middle Eastern, 0.041%; no homozygotes.

Submissions (4):

Labcorp Genetics (formerly Invitae), Labcorp
Classification: Likely benign. Last evaluated: 2026-01-12. Review status: criteria provided, single submitter. Criteria: Invitae Variant Classification Sherloc (09022015). Collection method: clinical testing. Allele origin: germline.

Blueprint Genetics
Classification: Uncertain significance. Last evaluated: 2024-10-30. Review status: criteria provided, single submitter. Criteria: ACMG Guidelines, 2015. Collection method: clinical testing. Allele origin: germline.

Illumina Laboratory Services, Illumina
Classification: Uncertain significance for Congenital nephrotic syndrome. Last evaluated: 2017-04-28. Review status: criteria provided, single submitter. Criteria: ICSL Variant Classification Criteria 13 December 2019. Collection method: clinical testing. Allele origin: germline.
Comment: This variant was observed as part of a predisposition screen in an ostensibly healthy population. A literature search was performed for the gene, cDNA change, and amino acid change (where applicable). Publications were found based on this search. However, the evidence from the literature, in combination with allele frequency data from public databases where available, was not sufficient to rule this variant in or out of causing disease. Therefore, this variant is classified as a variant of unknown significance.

PreventionGenetics, part of Exact Sciences
Classification: Likely benign for NPHS1-related condition. Last evaluated: 2022-10-19. Review status: no assertion criteria provided. Collection method: clinical testing. Allele origin: germline. Not counted in ClinVar's aggregate classification.
Comment: This variant is classified as likely benign based on ACMG/AMP sequence variant interpretation guidelines (Richards et al. 2015 PMID: 25741868, with internal and published modifications).

Literature cited by the submitters: PubMed 15968559 (cited by Illumina Laboratory Services, Illumina).

NM_004646.4(NPHS1):c.3173C>T (p.Ser1058Leu)

Gene: NPHS1 (NPHS1 adhesion molecule, nephrin; minus strand). Cytogenetic location: 19q13.12.
Variant type: single nucleotide variant.
Coding change: c.3173C>T on transcript NM_004646.4 (MANE Select); coding-DNA position 3173, C replaced by T.
Protein change: p.Ser1058Leu; replaces serine 1058 with leucine.
Molecular consequence: missense variant.
Genome position (GRCh38, 1-based): chr19:35,831,756, G>A on the plus strand (C>T on the coding strand, the complement: NPHS1 is on the minus strand). VCF-style: chr19-35831756-G-A. GRCh37 (hg19) VCF-style: chr19-36322658-G-A.
Other names: short protein forms S1058L.
Identifiers: ClinVar variation 180466 (VCV000180466.15), dbSNP rs201503587, ClinGen allele CA346574.
Genomic context (GRCh38, chr19:35,831,756, plus strand): 5'-GCATTGGAGAGGAGCAGAAGCCCCCCAAGAGCGAACAGCACAGGCAGCAGGGGCAGCCCC[G>A]AGGGTCCTAGGGGTGGAAGATACCCCTCAGTGAATCCCAGACAACAGGCTGTAGGCCAGG-3'
Protein context (NP_004637.1, residues 1048-1068): QLPTEPPSGP[Ser1058Leu]GLPLLPVLFA